The following is an entry in ClinVar:

NM_174936.4(PCSK9):c.864C>T (p.Pro288=)

Gene: PCSK9 (proprotein convertase subtilisin/kexin type 9; plus strand). Cytogenetic location: 1p32.3.
Variant type: single nucleotide variant.
Coding change: c.864C>T on transcript NM_174936.4 (MANE Select); coding-DNA position 864, C replaced by T.
Protein change: p.Pro288=; no amino-acid change (proline 288 retained).
Molecular consequence: synonymous variant. On other transcripts: non-coding transcript variant (8).
Genome position (GRCh38, 1-based): chr1:55,056,057, C>T. VCF-style: chr1-55056057-C-T. GRCh37 (hg19) VCF-style: chr1-55521730-C-T.
Other names: c.987C>T, p.Pro329= (NM_001407240.1); c.864C>T, p.Pro288= (NM_001407241.1, NM_001407244.1, NM_001407247.1); c.867C>T, p.Pro289= (NM_001407242.1); c.807C>T, p.Pro269= (NM_001407243.1); c.672C>T, p.Pro224= (NM_001407245.1); c.489C>T, p.Pro163= (NM_001407246.1).
Identifiers: ClinVar variation 1764173 (VCV001764173.8), dbSNP rs757858496, ClinGen allele CA044882.

ClinVar aggregate classification (germline): Likely benign. Review status: criteria provided, multiple submitters, no conflicts (2 of 4 stars). 4 submissions from 4 submitters: Likely benign (4). Last evaluated 2024-05-28.

Conditions:
Hypercholesterolemia, autosomal dominant, 3 (FHCL3). Also called: Familial Hypercholesterolemia, Autosomal Dominant, 3; PCSK9-Related Familial Hypercholesterolemia, Autosomal Dominant; Familial hypercholesterolemia 3. Identifiers: MedGen C1863551, MONDO:0011369, OMIM 603776.
Familial hypercholesterolemia. Also called: Familial hypercholesterolemias; Familial hypercholesterolaemia. Identifiers: MedGen C0020445, MONDO:0005439.
Cardiovascular phenotype. Identifiers: MedGen CN230736.

Allele frequency attached by ClinVar (database versions not stated): ExAC 0.00001.

Submissions (4):

GENinCode PLC
Classification: Likely benign for Familial hypercholesterolemia. Last evaluated: 2024-05-28. Review status: criteria provided, single submitter. Criteria: ACMG Guidelines, 2015. Collection method: clinical testing. Allele origin: germline.
Comment: This is a synonymous (silent) variant that is not predicted by SpliceAI to impact splicing. In addition, it occurs at a nucleotide that is not conserved. Therefore this variant has been classified as Likely Benign (BP4, BP7).

Labcorp Genetics (formerly Invitae), Labcorp
Classification: Likely benign for Hypercholesterolemia, autosomal dominant, 3. Last evaluated: 2023-02-24. Review status: criteria provided, single submitter. Criteria: Invitae Variant Classification Sherloc (09022015). Collection method: clinical testing. Allele origin: germline.

Color Diagnostics, LLC DBA Color Health
Classification: Likely benign for Familial hypercholesterolemia. Last evaluated: 2023-02-15. Review status: criteria provided, single submitter. Criteria: ACMG Guidelines, 2015. Collection method: clinical testing. Allele origin: germline.

Ambry Genetics
Classification: Likely benign for Cardiovascular phenotype. Last evaluated: 2018-09-17. Review status: criteria provided, single submitter. Criteria: Ambry Variant Classification Scheme 2023. Collection method: clinical testing. Allele origin: germline.